The following is an entry in ClinVar:

NM_130810.4(DNAAF4):c.1153+2_1153+5del

Genes: DNAAF4 (dynein axonemal assembly factor 4; minus strand), DNAAF4-CCPG1 (DNAAF4-CCPG1 readthrough (NMD candidate); minus strand). Cytogenetic location: 15q21.3.
Variant type: Deletion.
Coding change: c.1153+2_1153+5del on transcript NM_130810.4 (MANE Select); the canonical splice donor site of the intron after coding-DNA position 1153 through 5 bases into the intron after coding-DNA position 1153, 4 bases deleted (TAAG; older notation c.1153+2_1153+5delTAAG).
Molecular consequence: splice donor variant. On other transcripts: intron variant (2).
Genome position (GRCh38, 1-based): chr15:55,432,492-55,432,495, CTTA deleted on the plus strand (TAAG on the coding strand, the reverse complement: DNAAF4 is on the minus strand); deleting any 4 consecutive bases within chr15:55,432,492-55,432,496 gives the same sequence; the c. name uses the placement nearest the transcript's 3' end. VCF-style (leftmost placement, unchanged base first): chr15-55432491-CCTTA-C. GRCh37 (hg19) VCF-style: chr15-55724689-CCTTA-C.
Other names: c.1047+2410_1047+2413del (NM_001033560.2); c.1048-1716_1048-1713del (NM_001033559.3).
Identifiers: ClinVar variation 3357933 (VCV003357933.1).
Genomic context (GRCh38, chr15:55,432,491, plus strand): 5'-ATAATTCCAATGACATTTTTTTCAGAGTATAACTTGGGACTTAAACCATTTCTATCAATT[CCTTA>C]CCTTCTACATACAATTCTAGTTGACAGAATGCTGTTCCACGTCGTACATGTGCCTTCATT-3'

ClinVar aggregate classification (germline): Uncertain significance (0 of 4 stars; one submission).

Conditions:
DNAAF4-related disorder. Also called: DNAAF4-related condition.

Submission:

PreventionGenetics, part of Exact Sciences
Classification: Uncertain significance for DNAAF4-related condition. Last evaluated: 2024-03-18. Review status: no assertion criteria provided. Collection method: clinical testing. Allele origin: germline.
Comment: The DNAAF4 c.1153+2_1153+5delTAAG variant is predicted to result in a deletion affecting a canonical splice site. This variant affects the canonical donor splice of the penultimate exon of DNAAF4 and although it is predicted to disrupt splicing its impact cannot be known without functional studies. To our knowledge, this variant has not been reported in the literature. This variant is reported in 0.00088% of alleles in individuals of European (Non-Finnish) descent in gnomAD. Although we suspect that this variant may be pathogenic, at this time, the clinical significance of this variant is uncertain due to the absence of conclusive functional and genetic evidence.